The following is an entry in ClinVar:

Conditions:
Breast-ovarian cancer, familial, susceptibility to, 1 (BROVCA1). Also called: BRCA1 Hereditary Breast and Ovarian Cancer; OVARIAN CANCER, SUSCEPTIBILITY TO. Identifiers: Orphanet 145, MedGen C2676676, MONDO:0011450, OMIM 604370. Disease mechanism: loss of function.

Submission:

Brotman Baty Institute, University of Washington
No classification provided (evidence only). Condition: Breast-ovarian cancer, familial 1. Review status: no classification provided. Collection method: in vitro. Allele origin: not applicable. Functional consequence: functionally_normal.
ClinVar note: "not provided" was previously submitted as the classification for the variant. However, the classification appeared to be based only on an observation of functional data so it was converted to no classification on 2025-07-30.

NM_007294.4(BRCA1):c.5150T>C (p.Phe1717Ser)

Gene: BRCA1 (BRCA1 DNA repair associated; minus strand). Cytogenetic location: 17q21.31.
Variant type: single nucleotide variant.
Coding change: c.5150T>C on transcript NM_007294.4 (MANE Select); coding-DNA position 5150, T replaced by C.
Protein change: p.Phe1717Ser; replaces phenylalanine 1717 with serine.
Molecular consequence: missense variant. On other transcripts: non-coding transcript variant (1).
Genome position (GRCh38, 1-based): chr17:43,063,876, A>G on the plus strand (T>C on the coding strand, the complement: BRCA1 is on the minus strand). VCF-style: chr17-43063876-A-G. GRCh37 (hg19) VCF-style: chr17-41215893-A-G.
Other names: c.4937T>C, p.Phe1646Ser (NM_001407571.1, NM_001407894.1, NM_001407895.1 and 12 more transcripts); c.5216T>C, p.Phe1739Ser (NM_001407581.1, NM_001407582.1); c.5213T>C, p.Phe1738Ser (NM_001407583.1, NM_001407585.1, NM_001407587.1 and 1 more transcripts); c.5210T>C, p.Phe1737Ser (NM_001407590.1, NM_001407591.1); c.5150T>C, p.Phe1717Ser (NM_001407593.1, NM_001407594.1, NM_001407596.1 and 7 more transcripts); c.5147T>C, p.Phe1716Ser (NM_001407610.1, NM_001407621.1, NM_001407622.1 and 17 more transcripts); c.5144T>C, p.Phe1715Ser (NM_001407627.1, NM_001407628.1, NM_001407629.1 and 14 more transcripts); c.5141T>C, p.Phe1714Ser (NM_001407644.1, NM_001407645.1); and 71 more; short protein forms F1670S, F1717S, F1738S, F613S, F1563S, F1590S, F1628S, F1629S.
Identifiers: ClinVar variation 865024 (VCV000865024.3), dbSNP rs2051906738, ClinGen allele CA10591247.